The following is an entry in ClinVar:

NM_014844.5(TECPR2):c.3469_3470del (p.Gln1157fs)

Gene: TECPR2 (tectonin beta-propeller repeat containing 2; plus strand). Cytogenetic location: 14q32.31.
Variant type: Microsatellite.
Coding change: c.3469_3470del on transcript NM_014844.5 (MANE Select); coding-DNA positions 3469 to 3470, 2 bases deleted (CA; older notation c.3469_3470delCA).
Protein change: p.Gln1157fs; shifts the reading frame from glutamine 1157.
Molecular consequence: frameshift variant.
Genome position (GRCh38, 1-based): chr14:102,452,456-102,452,457, CA deleted; deleting any 2 consecutive bases within chr14:102,452,454-102,452,457 gives the same sequence; the c. name uses the placement nearest the transcript's 3' end. VCF-style (leftmost placement, unchanged base first): chr14-102452453-GCA-G. GRCh37 (hg19) VCF-style: chr14-102918790-GCA-G.
Other names: c.3469_3470del, p.Gln1157fs (NM_001172631.3); short protein forms Q1157fs.
Identifiers: ClinVar variation 1073977 (VCV001073977.7), dbSNP rs2139755178, ClinGen allele CA2580613774.

ClinVar aggregate classification (germline): Pathogenic (1 of 4 stars; one submission).

Conditions:
Hereditary spastic paraplegia 49 (HSAN9). Also called: Spastic paraplegia 49, autosomal recessive; NEUROPATHY, HEREDITARY SENSORY AND AUTONOMIC, TYPE IX, WITH DEVELOPMENTAL DELAY; TECPR2-Related Hereditary Sensory and Autonomic Neuropathy with Intellectual Disability. Identifiers: Orphanet 320385, MedGen C5190860, MONDO:0014016, OMIM 615031.

Submission:

Labcorp Genetics (formerly Invitae), Labcorp
Classification: Pathogenic for Hereditary spastic paraplegia 49. Last evaluated: 2020-10-06. Review status: criteria provided, single submitter. Criteria: Invitae Variant Classification Sherloc (09022015). Collection method: clinical testing. Allele origin: germline.
Comment: Loss-of-function variants in TECPR2 are known to be pathogenic (PMID: 23176824, 25590979). For these reasons, this variant has been classified as Pathogenic. This variant has not been reported in the literature in individuals with TECPR2-related conditions. This sequence change creates a premature translational stop signal (p.Gln1157Valfs*75) in the TECPR2 gene. It is expected to result in an absent or disrupted protein product. This variant is not present in population databases (ExAC no frequency).

Literature cited by the submitters: PubMed 23176824; PubMed 25590979.